The following is an entry in ClinVar:

ClinVar aggregate classification (germline): Pathogenic (1 of 4 stars; one submission).

Conditions:
Neurofibromatosis, type 1 (NF1). Also called: VON RECKLINGHAUSEN DISEASE; NEUROFIBROMATOSIS, TYPE I, SOMATIC; Peripheral type neurofibromatosis; Neurofibromatosis, type I. Identifiers: Orphanet 636, MedGen C0027831, MONDO:0018975, OMIM 162200. Disease mechanism: loss of function.

Submission:

Labcorp Genetics (formerly Invitae), Labcorp
Classification: Pathogenic for Neurofibromatosis, type 1. Last evaluated: 2017-09-05. Review status: criteria provided, single submitter. Criteria: Invitae Variant Classification Sherloc (09022015). Collection method: clinical testing. Allele origin: germline.
Comment: Loss-of-function variants in NF1 are known to be pathogenic (PMID: 10712197, 23913538). For these reasons, this variant has been classified as Pathogenic. Algorithms developed to predict the effect of sequence changes on RNA splicing suggest that this variant may disrupt the consensus splice site, but this prediction has not been confirmed by published transcriptional studies. This sequence change creates a premature translational stop signal (p.Ser2684Phefs*4) in the NF1 gene. It is expected to result in an absent or disrupted protein product. This variant is not present in population databases (ExAC no frequency). This variant has not been reported in the literature in individuals with NF1-related disease.

Literature cited by the submitters: PubMed 10712197; PubMed 23913538.

NM_001042492.3(NF1):c.8112_8113del (p.Ser2705fs)

Gene: NF1 (neurofibromin 1; plus strand). Cytogenetic location: 17q11.2.
Variant type: Deletion.
Coding change: c.8112_8113del on transcript NM_001042492.3 (MANE Select); coding-DNA positions 8112 to 8113, 2 bases deleted (AA; older notation c.8112_8113delAA).
Protein change: p.Ser2705fs; shifts the reading frame from serine 2705.
Molecular consequence: frameshift variant.
Genome position (GRCh38, 1-based): chr17:31,358,621-31,358,622, AA deleted; deleting any 2 consecutive bases within chr17:31,358,620-31,358,622 gives the same sequence; the c. name uses the placement nearest the transcript's 3' end. VCF-style (leftmost placement, unchanged base first): chr17-31358619-CAA-C. GRCh37 (hg19) VCF-style: chr17-29685637-CAA-C.
Other names: c.8049_8050delAA (NM_000267.3); c.8049_8050delAA, p.Ser2684Phefs (NM_000267.4); short protein forms S2684fs, S2705fs.
Identifiers: ClinVar variation 527440 (VCV000527440.5), dbSNP rs1555536947, ClinGen allele CA658798794.
Genomic context (GRCh38, chr17:31,358,619, plus strand): 5'-ATTGTGCAGAGTGTGGTGTACCATGAAGAATCCCCACCACAATACCAAACATCTTACCTG[CAA>C]AGTAAATAAATGTATCTGGAGAAGGATGGTTGATGAACTTGCTAACATGCGCGCTGTTGT-3'